The following is an entry in ClinVar:

NM_007294.4(BRCA1):c.656A>T (p.Asp219Val)

Gene: BRCA1 (BRCA1 DNA repair associated; minus strand). Cytogenetic location: 17q21.31.
Variant type: single nucleotide variant.
Coding change: c.656A>T on transcript NM_007294.4 (MANE Select); coding-DNA position 656, A replaced by T.
Protein change: p.Asp219Val; replaces aspartic acid 219 with valine.
Molecular consequence: missense variant. On other transcripts: non-coding transcript variant (1).
Genome position (GRCh38, 1-based): chr17:43,095,860, T>A on the plus strand (A>T on the coding strand, the complement: BRCA1 is on the minus strand). VCF-style: chr17-43095860-T-A. GRCh37 (hg19) VCF-style: chr17-41247877-T-A.
Other names: c.443A>T, p.Asp148Val (NM_001407571.1, NM_001407853.1, NM_001407894.1 and 12 more transcripts); c.656A>T, p.Asp219Val (NM_001407581.1, NM_001407582.1, NM_001407583.1 and 59 more transcripts); c.653A>T, p.Asp218Val (NM_001407587.1, NM_001407590.1, NM_001407591.1 and 41 more transcripts); c.647A>T, p.Asp216Val (NM_001407646.1, NM_001407647.1, NM_001408408.1); c.578A>T, p.Asp193Val (NM_001407653.1, NM_001407654.1, NM_001407655.1 and 9 more transcripts); c.575A>T, p.Asp192Val (NM_001407659.1, NM_001407660.1, NM_001407661.1 and 3 more transcripts); c.515A>T, p.Asp172Val (NM_001407692.1, NM_001407694.1, NM_001407695.1 and 43 more transcripts); c.512A>T, p.Asp171Val (NM_001407740.1, NM_001407741.1, NM_001407742.1 and 26 more transcripts); and 4 more; short protein forms D172V, D219V, D149V, D192V, D218V, D92V, D171V, D193V.
Identifiers: ClinVar variation 917777 (VCV000917777.8), dbSNP rs2054110068, ClinGen allele CA10600787.
Genomic context (GRCh38, chr17:43,095,860, plus strand): 5'-CCACTCTCTTTTCAGTGCCTGTTAAGTTGGCAAACTTTGCCATTACCCTTTTTTGCAGAA[T>A]CCAAACTGATTTCATCCCTGGTTCCTTGAGGGGTGATTTGTAACAATTCTTGATCTCCCA-3'
Protein context (NP_009225.1, residues 209-229): PQGTRDEISL[Asp219Val]SAKKAACEFS

ClinVar aggregate classification (germline): Uncertain significance. Review status: criteria provided, multiple submitters, no conflicts (2 of 4 stars). 3 submissions from 3 submitters: Uncertain significance (3). Last evaluated 2023-09-08.

Conditions:
Hereditary breast ovarian cancer syndrome. Also called: Hereditary breast and ovarian cancer; Hereditary breast and ovarian cancer syndrome (HBOC); Hereditary breast and/or ovarian cancer syndrome; Breast and ovarian cancer; Hereditary breast and ovarian cancer syndrome; BRCA1- and BRCA2-Associated Hereditary Breast and Ovarian Cancer. Identifiers: Orphanet 145, MedGen C0677776, MeSH D061325, MONDO:0003582. Disease mechanism: loss of function.

Submissions (3):

Blueprint Genetics
Classification: Uncertain significance. Last evaluated: 2023-09-08. Review status: criteria provided, single submitter. Criteria: ACMG Guidelines, 2015. Collection method: clinical testing. Allele origin: germline.

Labcorp Genetics (formerly Invitae), Labcorp
Classification: Uncertain significance for Hereditary breast ovarian cancer syndrome. Last evaluated: 2022-02-02. Review status: criteria provided, single submitter. Criteria: Invitae Variant Classification Sherloc (09022015). Collection method: clinical testing. Allele origin: germline.
Comment: In summary, the available evidence is currently insufficient to determine the role of this variant in disease. Therefore, it has been classified as a Variant of Uncertain Significance. Advanced modeling of protein sequence and biophysical properties (such as structural, functional, and spatial information, amino acid conservation, physicochemical variation, residue mobility, and thermodynamic stability) performed at Invitae indicates that this missense variant is not expected to disrupt BRCA1 protein function. ClinVar contains an entry for this variant (Variation ID: 917777). This missense change has been observed in individual(s) with breast cancer (PMID: 23683081). This variant is not present in population databases (gnomAD no frequency). This sequence change replaces aspartic acid, which is acidic and polar, with valine, which is neutral and non-polar, at codon 219 of the BRCA1 protein (p.Asp219Val).

Women's Health and Genetics/Laboratory Corporation of America, LabCorp
Classification: Uncertain significance. Last evaluated: 2020-04-06. Review status: criteria provided, single submitter. Criteria: LabCorp Variant Classification Summary - May 2015. Collection method: clinical testing. Allele origin: germline.
Comment: Variant summary: BRCA1 c.656A>T (p.Asp219Val) results in a non-conservative amino acid change in the encoded protein sequence. Three of five in-silico tools predict a benign effect of the variant on protein function. The variant was absent in 250952 control chromosomes (gnomAD). The available data on variant occurrences in the general population are insufficient to allow any conclusion about variant significance. c.656A>T has been reported in the literature in at least one individual affected with breast cancer (Blay_2013). This report does not provide unequivocal conclusions about association of the variant with Hereditary Breast and Ovarian Cancer. To our knowledge, no experimental evidence demonstrating an impact on protein function has been reported. No clinical diagnostic laboratories have submitted clinical-significance assessments for this variant to ClinVar after 2014. Based on the evidence outlined above, the variant was classified as uncertain significance.

Literature cited by the submitters: PubMed 23683081 (cited by Labcorp Genetics (formerly Invitae), Labcorp and Women's Health and Genetics/Laboratory Corporation of America, LabCorp).